The following is an entry in ClinVar:

NM_002890.3(RASA1):c.2003del (p.Pro668fs)

Genes: CCNH (cyclin H; minus strand), RASA1 (RAS p21 protein activator 1; plus strand). Cytogenetic location: 5q14.3.
Variant type: Deletion.
Coding change: c.2003del on transcript NM_002890.3 (MANE Select); coding-DNA position 2003, one base deleted (C; older notation c.2003delC).
Protein change: p.Pro668fs; shifts the reading frame from proline 668.
Molecular consequence: frameshift variant. On other transcripts: intron variant (1).
Genome position (GRCh38, 1-based): chr5:87,374,908, C deleted; the last of 2 consecutive C bases (chr5:87,374,907-87,374,908); deleting either gives the same sequence. VCF-style (leftmost placement, unchanged base first): chr5-87374906-TC-T. GRCh37 (hg19) VCF-style: chr5-86670723-TC-T.
Other names: c.1472del, p.Pro491fs (NM_022650.3); c.933+20137del (NM_001364075.2); short protein forms P491fs, P668fs.
Identifiers: ClinVar variation 5041965 (VCV005041965.1).

ClinVar aggregate classification (germline): Pathogenic (1 of 4 stars; one submission).

Conditions:
Fetal anomalies with a likely genetic cause.

Submission:

Genetics Laboratory, Great Ormond Street Hospital NHS Foundation Trust, North Thames Genomic Laboratory Hub
Classification: Pathogenic for Fetal anomalies with a likely genetic cause. Last evaluated: 2026-09-05. Review status: criteria provided, single submitter. Criteria: ACGS Best Practice Guidelines for Variant Classification in Rare Disease 2024 v1.2. Collection method: clinical testing. Allele origin: germline. Affected: yes.
Comment: PM2_moderate, PVS1_very-strong